The following is an entry in ClinVar:

ClinVar aggregate classification (germline): Likely pathogenic (1 of 4 stars; one submission).

Submission:

Labcorp Genetics (formerly Invitae), Labcorp
Classification: Likely pathogenic. Last evaluated: 2023-08-21. Review status: criteria provided, single submitter. Criteria: Invitae Variant Classification Sherloc (09022015). Collection method: clinical testing. Allele origin: germline.
Comment: ClinVar contains an entry for this variant (Variation ID: 1067144). This sequence change replaces glycine, which is neutral and non-polar, with valine, which is neutral and non-polar, at codon 781 of the COL4A5 protein (p.Gly781Val). Information on the frequency of this variant in the gnomAD database is not available, as this variant may be reported differently in the database. This missense change has been observed in individual(s) with clinical features of Alport syndrome (Invitae). Experimental studies and prediction algorithms are not available or were not evaluated, and the functional significance of this variant is currently unknown. This variant disrupts the triple helix domain of COL4A5. Glycine residues within the Gly-Xaa-Yaa repeats of the triple helix domain are required for the structure and stability of fibrillar collagens (PMID: 7695699, 8218237, 19344236). In COL4A5, missense variants at these glycine residues are significantly enriched in individuals with disease (PMID: 23720012, 27627812) compared to the general population (ExAC). In summary, the currently available evidence indicates that the variant is pathogenic, but additional data are needed to prove that conclusively. Therefore, this variant has been classified as Likely Pathogenic.

Literature cited by the submitters: PubMed 7695699; PubMed 8218237; PubMed 19344236; PubMed 23720012; PubMed 27627812.

NM_033380.3(COL4A5):c.2342_2343delinsTG (p.Gly781Val)

Gene: COL4A5 (collagen type IV alpha 5 chain; plus strand). Cytogenetic location: Xq22.3.
Variant type: Indel.
Coding change: c.2342_2343delinsTG on transcript NM_033380.3 (MANE Select); coding-DNA positions 2342 to 2343, GA replaced by TG.
Protein change: p.Gly781Val; replaces glycine 781 with valine.
Molecular consequence: missense variant.
Genome position (GRCh38, 1-based): chrX:108,606,839-108,606,840, GA replaced by TG. VCF-style: chrX-108606839-GA-TG. GRCh37 (hg19) VCF-style: chrX-107850069-GA-TG.
Other names: c.2342_2343delinsTG, p.Gly781Val (NM_000495.5); short protein forms G781V.
Identifiers: ClinVar variation 1067144 (VCV001067144.7), dbSNP rs2147832375, ClinGen allele CA2499226317.